The following is an entry in ClinVar:

NM_025150.5(TARS2):c.1238+255C>A

Gene: TARS2 (threonyl-tRNA synthetase 2, mitochondrial; plus strand). Cytogenetic location: 1q21.2.
Variant type: single nucleotide variant.
Coding change: c.1238+255C>A on transcript NM_025150.5 (MANE Select); 255 bases into the intron after coding-DNA position 1238, C replaced by A.
Molecular consequence: intron variant.
Genome position (GRCh38, 1-based): chr1:150,498,002, C>A. VCF-style: chr1-150498002-C-A. GRCh37 (hg19) VCF-style: chr1-150470478-C-A.
Other names: c.992+255C>A (NM_001271895.2); c.848+255C>A (NM_001271896.2).
Identifiers: ClinVar variation 680808 (VCV000680808.1), dbSNP rs11590353, ClinGen allele CA15086727.

ClinVar aggregate classification (germline): Benign (1 of 4 stars; one submission).

Allele frequency attached by ClinVar (database versions not stated): gnomAD 0.31060 and 0.30898; 1000 Genomes Project 0.24441; 1000 Genomes Project 30x 0.24500; TOPMed 0.29173.
gnomAD v4.1: 46,868 of 150,348 alleles (31%); highest among the groups gnomAD compares: Non-Finnish European, 40%; 8,269 homozygotes.

Submission:

GeneDx
Classification: Benign. Last evaluated: 2018-06-14. Review status: criteria provided, single submitter. Criteria: GeneDx Variant Classification (06012015). Collection method: clinical testing. Allele origin: germline. Affected: yes.
Comment: This variant is considered likely benign or benign based on one or more of the following criteria: it is a conservative change, it occurs at a poorly conserved position in the protein, it is predicted to be benign by multiple in silico algorithms, and/or has population frequency not consistent with disease.